The following is an entry in ClinVar:

ClinVar aggregate classification (germline): Uncertain significance (1 of 4 stars; one submission).

Conditions:
Cardiovascular phenotype. Identifiers: MedGen CN230736.
Hereditary cancer-predisposing syndrome. Also called: Tumor predisposition; Hereditary Cancer Syndrome; Neoplastic Syndromes, Hereditary; Hereditary neoplastic syndrome. Identifiers: Orphanet 140162, MedGen C0027672, MeSH D009386, MONDO:0015356.

Submission:

Ambry Genetics
Classification: Uncertain significance for Cardiovascular phenotype; Hereditary cancer-predisposing syndrome. Last evaluated: 2021-03-24. Review status: criteria provided, single submitter. Criteria: Ambry Variant Classification Scheme 2023. Collection method: clinical testing. Allele origin: germline.
Comment: The p.L92P variant (also known as c.275T>C), located in coding exon 3 of the LZTR1 gene, results from a T to C substitution at nucleotide position 275. The leucine at codon 92 is replaced by proline, an amino acid with similar properties. This amino acid position is highly conserved in available vertebrate species. In addition, this alteration is predicted to be deleterious by in silico analysis.Since supporting evidence is limited at this time, the clinical significance of this alteration remains unclear.

NM_006767.4(LZTR1):c.275T>C (p.Leu92Pro)

Gene: LZTR1 (leucine zipper like post translational regulator 1; plus strand). Cytogenetic location: 22q11.21.
Variant type: single nucleotide variant.
Coding change: c.275T>C on transcript NM_006767.4 (MANE Select); coding-DNA position 275, T replaced by C.
Protein change: p.Leu92Pro; replaces leucine 92 with proline.
Molecular consequence: missense variant.
Genome position (GRCh38, 1-based): chr22:20,985,852, T>C. VCF-style: chr22-20985852-T-C. GRCh37 (hg19) VCF-style: chr22-21340141-T-C.
Other names: short protein forms L92P.
Identifiers: ClinVar variation 1795673 (VCV001795673.2), dbSNP rs2518610608, ClinGen allele CA410778809.
Genomic context (GRCh38, chr22:20,985,852, plus strand): 5'-TGCAGAGTAGACCTGGCTAATGCCACCCTCTCTTCCGGCTGCCTTTCAGGAAGACCATGC[T>C]CAATGACCTCCTGCGGTTCGATGTGAAAGACTGCTCCTGGTGCAGGTGGGTGGCCCCGTG-3'
Protein context (NP_006758.2, residues 82-102): VFGGDNGKTM[Leu92Pro]NDLLRFDVKD